The following is an entry in ClinVar:

NM_152906.7(TANGO2):c.559G>T (p.Asp187Tyr)

Gene: TANGO2 (transport and golgi organization 2 homolog; plus strand). Cytogenetic location: 22q11.21.
Variant type: single nucleotide variant.
Coding change: c.559G>T on transcript NM_152906.7 (MANE Select); coding-DNA position 559, G replaced by T.
Protein change: p.Asp187Tyr; replaces aspartic acid 187 with tyrosine.
Molecular consequence: missense variant. On other transcripts: non-coding transcript variant (3), intron variant (4).
Genome position (GRCh38, 1-based): chr22:20,061,637, G>T. VCF-style: chr22-20061637-G-T. GRCh37 (hg19) VCF-style: chr22-20049160-G-T.
Other names: c.373G>T, p.Asp125Tyr (NM_001322167.2, NM_001322169.2, NM_001283179.3 and 3 more transcripts); c.265G>T, p.Asp89Tyr (NM_001322171.2, NM_001322172.2, NM_001322173.2 and 6 more transcripts); c.381-1701G>T (NM_001283199.3); c.575-2905G>T (NM_001283215.3); c.504-1701G>T (NM_001322149.2); c.266-1701G>T (NM_001283248.3); c.559G>T, p.Asp187Tyr (NM_001283106.3, NM_001283116.3, NM_001283148.3 and 2 more transcripts); c.682G>T, p.Asp228Tyr (NM_001283129.3, NM_001322141.2, NM_001322143.2 and 1 more transcripts); and 2 more; short protein forms D125Y, D166Y, D228Y, D89Y, D153Y, D187Y.
Identifiers: ClinVar variation 2163891 (VCV002163891.1), dbSNP rs762538745, ClinGen allele CA10106480.
Genomic context (GRCh38, chr22:20,061,637, plus strand): 5'-CTGTGCTTTGGGAAGCAGCTCTTCCTGGAGGCTGTGGAACGGAGCCAGGCGCTGCCCAAG[G>T]ATGTGCTCATCGCCAGCCTCCTGGATGTGCTCAACAATGAAGAGGCGTGAGTGGGCGGGT-3'
Protein context (NP_690870.3, residues 177-197): AVERSQALPK[Asp187Tyr]VLIASLLDVL

ClinVar aggregate classification (germline): Uncertain significance (1 of 4 stars; one submission).

Allele frequency attached by ClinVar (database versions not stated): TOPMed below 0.00001; gnomAD 0.00001; gnomAD exomes 0.00001; ExAC 0.00003.
gnomAD v4.1: 8 of 1,566,208 alleles (0.00051%); highest among the groups gnomAD compares: Non-Finnish European, 0.00069%; no homozygotes.

Submission:

Labcorp Genetics (formerly Invitae), Labcorp
Classification: Uncertain significance. Last evaluated: 2022-06-11. Review status: criteria provided, single submitter. Criteria: Invitae Variant Classification Sherloc (09022015). Collection method: clinical testing. Allele origin: germline.
Comment: This sequence change replaces aspartic acid, which is acidic and polar, with tyrosine, which is neutral and polar, at codon 187 of the TANGO2 protein (p.Asp187Tyr). This variant is present in population databases (rs762538745, gnomAD 0.003%). This variant has not been reported in the literature in individuals affected with TANGO2-related conditions. Algorithms developed to predict the effect of missense changes on protein structure and function are either unavailable or do not agree on the potential impact of this missense change (SIFT: "Not Available"; PolyPhen-2: "Probably Damaging"; Align-GVGD: "Not Available"). Algorithms developed to predict the effect of sequence changes on RNA splicing suggest that this variant may create or strengthen a splice site. In summary, the available evidence is currently insufficient to determine the role of this variant in disease. Therefore, it has been classified as a Variant of Uncertain Significance.